The following is an entry in ClinVar:

NM_000742.4(CHRNA2):c.577G>T (p.Asp193Tyr)

Gene: CHRNA2 (cholinergic receptor nicotinic alpha 2 subunit; minus strand). Cytogenetic location: 8p21.2.
Variant type: single nucleotide variant.
Coding change: c.577G>T on transcript NM_000742.4 (MANE Select); coding-DNA position 577, G replaced by T.
Protein change: p.Asp193Tyr; replaces aspartic acid 193 with tyrosine.
Molecular consequence: missense variant. On other transcripts: intron variant (2).
Genome position (GRCh38, 1-based): chr8:27,463,866, C>A on the plus strand (G>T on the coding strand, the complement: CHRNA2 is on the minus strand). VCF-style: chr8-27463866-C-A. GRCh37 (hg19) VCF-style: chr8-27321383-C-A.
Other names: c.577G>T (NM_000742.3); c.532G>T, p.Asp178Tyr (NM_001282455.2); c.100G>T, p.Asp34Tyr (NM_001347705.2, NM_001347706.2); c.-12-6G>T (NM_001347708.2); c.-9-9G>T (NM_001347707.2); short protein forms D178Y, D34Y, D193Y.
Identifiers: ClinVar variation 2149082 (VCV002149082.30), dbSNP rs373358886, ClinGen allele CA370811300.

ClinVar aggregate classification (germline): Uncertain significance. Review status: criteria provided, multiple submitters, no conflicts (2 of 4 stars). 4 submissions from 4 submitters: Uncertain significance (4). Last evaluated 2026-05-20.

Conditions:
Familial sleep-related hypermotor epilepsy. Also called: Autosomal Dominant Sleep-Related Hypermotor (Hyperkinetic) Epilepsy. Identifiers: Orphanet 98784, MedGen C3696898, MONDO:0000030.
Inborn genetic diseases. Identifiers: MedGen C0950123, MeSH D030342.

gnomAD v4.1: 14 of 1,614,094 alleles (0.00087%); highest among the groups gnomAD compares: Non-Finnish European, 0.0011%; no homozygotes.

Submissions (4):

Ambry Genetics
Classification: Uncertain significance for Inborn genetic diseases. Last evaluated: 2026-05-20. Review status: criteria provided, single submitter. Criteria: Ambry Variant Classification Scheme 2023. Collection method: clinical testing. Allele origin: germline.
Comment: The c.577G>T (p.D193Y) alteration is located in exon 6 (coding exon 5) of the CHRNA2 gene. This alteration results from a G to T substitution at nucleotide position 577, causing the aspartic acid (D) at amino acid position 193 to be replaced by a tyrosine (Y). Based on data from gnomAD, the T allele has an overall frequency of <0.001% (1/251496) total alleles studied. The highest observed frequency was 0.001% (1/113770) of European (non-Finnish) alleles. Based on insufficient or conflicting evidence, the clinical significance of this alteration remains unclear.

GeneDx
Classification: Uncertain significance. Last evaluated: 2024-01-22. Review status: criteria provided, single submitter. Criteria: GeneDx Variant Classification Process June 2021. Collection method: clinical testing. Allele origin: germline. Affected: yes.
Comment: Not observed at significant frequency in large population cohorts (gnomAD); In silico analysis supports that this missense variant has a deleterious effect on protein structure/function; In silico analysis suggests this variant may impact gene splicing. In the absence of RNA/functional studies, the actual effect of this sequence change is unknown.; Has not been previously published as pathogenic or benign to our knowledge

Labcorp Genetics (formerly Invitae), Labcorp
Classification: Uncertain significance. Last evaluated: 2023-08-23. Review status: criteria provided, single submitter. Criteria: Invitae Variant Classification Sherloc (09022015). Collection method: clinical testing. Allele origin: germline.
Comment: Algorithms developed to predict the effect of sequence changes on RNA splicing suggest that this variant may create or strengthen a splice site. Advanced modeling of protein sequence and biophysical properties (such as structural, functional, and spatial information, amino acid conservation, physicochemical variation, residue mobility, and thermodynamic stability) performed at Invitae indicates that this missense variant is expected to disrupt CHRNA2 protein function. ClinVar contains an entry for this variant (Variation ID: 2149082). This missense change has been observed in at least one individual who was not affected with CHRNA2-related conditions (Invitae). This variant has not been reported in the literature in individuals affected with CHRNA2-related conditions. This variant is present in population databases (no rsID available, gnomAD 0.0009%). This sequence change replaces aspartic acid, which is acidic and polar, with tyrosine, which is neutral and polar, at codon 193 of the CHRNA2 protein (p.Asp193Tyr). In summary, the available evidence is currently insufficient to determine the role of this variant in disease. Therefore, it has been classified as a Variant of Uncertain Significance.

CeGaT Center for Human Genetics Tuebingen
Classification: Uncertain significance. Last evaluated: 2022-09-01. Review status: criteria provided, single submitter. Criteria: CeGaT Center For Human Genetics Tuebingen Variant Classification Criteria Version 2. Collection method: clinical testing. Allele origin: germline. Affected: yes. Observed: 1 variant allele.
Comment: CHRNA2: PP3